The following is an entry in ClinVar:

ClinVar aggregate classification (germline): Uncertain significance. Review status: criteria provided, multiple submitters, no conflicts (2 of 4 stars). 2 submissions from 2 submitters: Uncertain significance (2). Last evaluated 2026-08-17.

Conditions:
Inborn genetic diseases. Identifiers: MedGen C0950123, MeSH D030342.

Submissions (2):

Ambry Genetics
Classification: Uncertain significance for Inborn genetic diseases. Last evaluated: 2026-08-17. Review status: criteria provided, single submitter. Criteria: Ambry Variant Classification Scheme 2023. Collection method: clinical testing. Allele origin: germline.
Comment: The c.542-241_546del246insCTT variant consists of a deletion of 246 nucleotides and insertion of 3 nucleotides at positions c.542-21 to c.546 and involves the canonical splice acceptor site before exon 3 (coding exon 3) of the NUS1 gene. Variants that disrupt the canonical splice site are expected to cause aberrant splicing, resulting in an abnormal protein or a transcript that is subject to nonsense-mediated mRNA decay. This variant was not reported in population-based cohorts in the Genome Aggregation Database (gnomAD). In silico splice site analysis predicts that this alteration will weaken the native splice acceptor site and may result in the creation or strengthening of a novel splice donor site. Based on insufficient or conflicting evidence, the clinical significance of this alteration remains unclear.

GeneDx
Classification: Uncertain significance. Last evaluated: 2026-04-06. Review status: criteria provided, single submitter. Criteria: GeneDx Variant Classification Process June 2021. Collection method: clinical testing. Allele origin: germline.
Comment: Deletion involving a canonical splice site and predicted to result in an in-frame loss of the adjacent exon in a gene for which loss of function is a known mechanism of disease; Has not been previously published as pathogenic or benign to our knowledge; No data available from control populations to assess the frequency of this variant

NM_138459.5(NUS1):c.542-241_546delinsCTT

Gene: NUS1 (NUS1 dehydrodolichyl diphosphate synthase subunit; plus strand). Cytogenetic location: 6q22.1.
Variant type: Indel.
Coding change: c.542-241_546delinsCTT on transcript NM_138459.5 (MANE Select); 241 bases into the intron before coding-DNA position 542 through coding-DNA position 546, the reference bases replaced by CTT.
Molecular consequence: splice acceptor variant.
Genome position (GRCh38, 1-based): chr6:117,693,790-117,694,035, 246 bases replaced. GRCh37 (hg19): chr6:118,014,953-118,015,198.
Other names: c.542-241_546del246insCTT (NM_138459.3).
Identifiers: ClinVar variation 5018122 (VCV005018122.2).